The following is an entry in ClinVar:

ClinVar aggregate classification (germline): Pathogenic (1 of 4 stars; one submission).

Submission:

Labcorp Genetics (formerly Invitae), Labcorp
Classification: Pathogenic. Last evaluated: 2021-10-14. Review status: criteria provided, single submitter. Criteria: Invitae Variant Classification Sherloc (09022015). Collection method: clinical testing. Allele origin: germline.
Comment: For these reasons, this variant has been classified as Pathogenic. This variant disrupts a region of the EYS protein in which other variant(s) (p.Tyr3135*) have been determined to be pathogenic (PMID: 18976725, 29159838, 30337596, 31074760). This suggests that this is a clinically significant region of the protein, and that variants that disrupt it are likely to be disease-causing. This variant has not been reported in the literature in individuals affected with EYS-related conditions. This variant is not present in population databases (ExAC no frequency). This sequence change creates a premature translational stop signal (p.Asn2779Glyfs*3) in the EYS gene. While this is not anticipated to result in nonsense mediated decay, it is expected to disrupt the last 366 amino acid(s) of the EYS protein.

Literature cited by the submitters: PubMed 18976725; PubMed 29159838; PubMed 30337596; PubMed 31074760.

NM_001142800.2(EYS):c.8334_8346del (p.Asn2779fs)

Genes: EYS (EGF-like photoreceptor maintenance factor; minus strand), PHF3 (PHD finger protein 3; plus strand). Cytogenetic location: 6q12.
Variant type: Deletion.
Coding change: c.8334_8346del on transcript NM_001142800.2 (MANE Select); coding-DNA positions 8334 to 8346, 13 bases deleted (AAACGGAAGTACT).
Protein change: p.Asn2779fs; shifts the reading frame from asparagine 2779.
Molecular consequence: frameshift variant. On other transcripts: 3 prime UTR variant (5).
Genome position (GRCh38, 1-based): chr6:63,721,685-63,721,697, AGTACTTCCGTTT deleted on the plus strand (AAACGGAAGTACT on the coding strand, the reverse complement: EYS is on the minus strand); deleting any 13 consecutive bases within chr6:63,721,685-63,721,698 gives the same sequence; the c. name uses the placement nearest the transcript's 3' end. VCF-style (leftmost placement, unchanged base first): chr6-63721684-AAGTACTTCCGTTT-A. GRCh37 (hg19) VCF-style: chr6-64431580-AAGTACTTCCGTTT-A.
Other names: c.*7978_*7990del (NM_001290259.2, NM_001370348.2, NM_001370349.2 and 2 more transcripts); c.8397_8409del, p.Asn2800fs (NM_001292009.2); short protein forms N2779fs, N2800fs.
Identifiers: ClinVar variation 1455245 (VCV001455245.6), dbSNP rs2149625483, ClinGen allele CA2573141298.